The following is an entry in ClinVar:

NM_001032386.2(SUOX):c.1442G>A (p.Arg481His)

Gene: SUOX (sulfite oxidase; plus strand). Cytogenetic location: 12q13.2.
Variant type: single nucleotide variant.
Coding change: c.1442G>A on transcript NM_001032386.2 (MANE Select); coding-DNA position 1442, G replaced by A.
Protein change: p.Arg481His; replaces arginine 481 with histidine.
Molecular consequence: missense variant.
Genome position (GRCh38, 1-based): chr12:56,004,831, G>A. VCF-style: chr12-56004831-G-A. GRCh37 (hg19) VCF-style: chr12-56398615-G-A.
Other names: c.1442G>A, p.Arg481His (NM_000456.3, NM_001032387.2); short protein forms R481H.
Identifiers: ClinVar variation 1000812 (VCV001000812.7), dbSNP rs575678301, ClinGen allele CA6621165.

ClinVar aggregate classification (germline): Uncertain significance (1 of 4 stars; one submission).

Conditions:
Sulfite oxidase deficiency. Also called: Isolated sulfite oxidase deficiency. Identifiers: Orphanet 833, Orphanet 99731, MedGen C0268624, MONDO:0010089, OMIM 272300, HP:0003643.

Allele frequency attached by ClinVar (database versions not stated): gnomAD 0.00001 and 0.00002; TOPMed 0.00002; gnomAD exomes 0.00005; ExAC 0.00007; 1000 Genomes Project 0.00020; 1000 Genomes Project 30x 0.00031.
gnomAD v4.1: 72 of 1,614,160 alleles (0.0045%); highest among the groups gnomAD compares: South Asian, 0.04%; 1 homozygote.

Submission:

Labcorp Genetics (formerly Invitae), Labcorp
Classification: Uncertain significance for Sulfite oxidase deficiency. Last evaluated: 2024-03-11. Review status: criteria provided, single submitter. Criteria: Invitae Variant Classification Sherloc (09022015). Collection method: clinical testing. Allele origin: germline.
Comment: This sequence change replaces arginine, which is basic and polar, with histidine, which is basic and polar, at codon 481 of the SUOX protein (p.Arg481His). This variant is present in population databases (rs575678301, gnomAD 0.03%). This variant has not been reported in the literature in individuals affected with SUOX-related conditions. ClinVar contains an entry for this variant (Variation ID: 1000812). Advanced modeling of protein sequence and biophysical properties (such as structural, functional, and spatial information, amino acid conservation, physicochemical variation, residue mobility, and thermodynamic stability) performed at Invitae indicates that this missense variant is not expected to disrupt SUOX protein function with a negative predictive value of 80%. In summary, the available evidence is currently insufficient to determine the role of this variant in disease. Therefore, it has been classified as a Variant of Uncertain Significance.